The following is an entry in ClinVar:

NM_001358235.2(DCHS2):c.4540C>T (p.Leu1514Phe)

Gene: DCHS2 (dachsous cadherin-related 2; minus strand). Cytogenetic location: 4q31.3.
Variant type: single nucleotide variant.
Coding change: c.4540C>T on transcript NM_001358235.2 (MANE Select); coding-DNA position 4540, C replaced by T.
Protein change: p.Leu1514Phe; replaces leucine 1514 with phenylalanine.
Molecular consequence: missense variant.
Genome position (GRCh38, 1-based): chr4:154,320,859, G>A on the plus strand (C>T on the coding strand, the complement: DCHS2 is on the minus strand). VCF-style: chr4-154320859-G-A. GRCh37 (hg19) VCF-style: chr4-155242011-G-A.
Other names: short protein forms L1514F.
Identifiers: ClinVar variation 3038274 (VCV003038274.2), dbSNP rs112514539, ClinGen allele CA3112845.

ClinVar aggregate classification (germline): Benign (0 of 4 stars; one submission).

Conditions:
DCHS2-related disorder. Also called: DCHS2-related condition.

Allele frequency attached by ClinVar (database versions not stated): ExAC 0.00740; gnomAD 0.02378; 1000 Genomes Project 30x 0.02467; 1000 Genomes Project 0.02476; ESP Exome Variant Server 0.02622; TOPMed 0.02705.
gnomAD v4.1: 7,442 of 1,614,020 alleles (0.46%); highest among the groups gnomAD compares: African/African-American, 8.4%; 302 homozygotes.

Submission:

PreventionGenetics, part of Exact Sciences
Classification: Benign for DCHS2-related condition. Last evaluated: 2019-03-20. Review status: no assertion criteria provided. Collection method: clinical testing. Allele origin: germline.
Comment: This variant is classified as benign based on ACMG/AMP sequence variant interpretation guidelines (Richards et al. 2015 PMID: 25741868, with internal and published modifications).